The following is an entry in ClinVar:

NR_120611.1(NUTM2B-AS1):n.1456C>T

Gene: NUTM2B-AS1 (NUTM2B antisense RNA 1; minus strand). Cytogenetic location: 10q22.3.
Variant type: single nucleotide variant.
Molecular consequence: non-coding transcript variant (on NR_120611.1).
Genome position: GRCh38 VCF-style: chr10-79765571-G-A. GRCh37 (hg19) VCF-style: chr10-81525327-G-A.
Identifiers: ClinVar variation 4681376 (VCV004681376.5).

ClinVar aggregate classification (germline): Likely benign (1 of 4 stars; one submission).

Submission:

CeGaT Center for Human Genetics Tuebingen
Classification: Likely benign. Last evaluated: 2026-07-01. Review status: criteria provided, single submitter. Criteria: CeGaT Center For Human Genetics Tuebingen Variant Classification Criteria Version 2. Collection method: clinical testing. Allele origin: germline. Affected: yes. Observed: 2 variant alleles.
Comment: NUTM2B-AS1: BS1